The following is an entry in ClinVar:

ClinVar aggregate classification (germline): Benign/Likely benign. Review status: criteria provided, multiple submitters, no conflicts (2 of 4 stars). 5 submissions from 5 submitters: Benign (2); Likely benign (2). 1 of the submissions does not count toward it. Last evaluated 2026-01-11.

Conditions:
MATR3-related disorder. Also called: MATR3-related condition.
Amyotrophic lateral sclerosis type 21. Also called: VOCAL CORD AND PHARYNGEAL DYSFUNCTION WITH DISTAL MYOPATHY; MYOPATHY, DISTAL, 2. Identifiers: Orphanet 600, Orphanet 803, MedGen C3807521, MONDO:0011632, OMIM 606070.

Allele frequency attached by ClinVar (database versions not stated): gnomAD exomes 0.00015 and 0.00032; ExAC 0.00038; gnomAD 0.00078 and 0.00083; ESP Exome Variant Server 0.00100; TOPMed 0.00102; 1000 Genomes Project 0.00180; 1000 Genomes Project 30x 0.00219.
gnomAD v4.1: 345 of 1,613,888 alleles (0.021%); highest among the groups gnomAD compares: African/African-American, 0.31%; no homozygotes.

Submissions (5):

Labcorp Genetics (formerly Invitae), Labcorp
Classification: Likely benign for Amyotrophic lateral sclerosis type 21. Last evaluated: 2026-01-11. Review status: criteria provided, single submitter. Criteria: Invitae Variant Classification Sherloc (09022015). Collection method: clinical testing. Allele origin: germline.

Mayo Clinic Laboratories, Mayo Clinic
Classification: Likely benign. Last evaluated: 2025-03-26. Review status: criteria provided, single submitter. Criteria: ACMG Guidelines, 2015. Collection method: clinical testing. Allele origin: germline. Observed: 1 variant allele.
Comment: BS2, BP4

GeneDx
Classification: Benign. Last evaluated: 2019-07-12. Review status: criteria provided, single submitter. Criteria: GeneDx Variant Classification Process June 2021. Collection method: clinical testing. Allele origin: germline. Affected: yes.
Comment: This variant is associated with the following publications: (PMID: 30054184, 25771394, 29154141, 28029397)

Illumina Laboratory Services, Illumina
Classification: Benign for Amyotrophic lateral sclerosis type 21. Last evaluated: 2018-01-13. Review status: criteria provided, single submitter. Criteria: ICSL Variant Classification Criteria 13 December 2019. Collection method: clinical testing. Allele origin: germline.
Comment: This variant was observed in the ICSL laboratory as part of a predisposition screen in an ostensibly healthy population. It had not been previously curated by ICSL or reported in the Human Gene Mutation Database (HGMD: prior to June 1st, 2018), and was therefore a candidate for classification through an automated scoring system. Utilizing variant allele frequency, disease prevalence and penetrance estimates, and inheritance mode, an automated score was calculated to assess if this variant is too frequent to cause the disease. Based on the score and internal cut-off values, a variant classified as benign is not then subjected to further curation. The score for this variant resulted in a classification of benign for this disease.

PreventionGenetics, part of Exact Sciences
Classification: Likely benign for MATR3-related condition. Last evaluated: 2023-07-14. Review status: no assertion criteria provided. Collection method: clinical testing. Allele origin: germline. Not counted in ClinVar's aggregate classification.
Comment: This variant is classified as likely benign based on ACMG/AMP sequence variant interpretation guidelines (Richards et al. 2015 PMID: 25741868, with internal and published modifications).

Literature cited by the submitters: PubMed 28029397 (cited by Mayo Clinic Laboratories, Mayo Clinic); PubMed 30054184 (cited by Mayo Clinic Laboratories, Mayo Clinic).

NM_018834.6(MATR3):c.2360A>G (p.Asn787Ser)

Gene: MATR3 (matrin 3; plus strand). Cytogenetic location: 5q31.2.
Variant type: single nucleotide variant.
Coding change: c.2360A>G on transcript NM_018834.6 (MANE Select); coding-DNA position 2360, A replaced by G.
Protein change: p.Asn787Ser; replaces asparagine 787 with serine.
Molecular consequence: missense variant.
Genome position (GRCh38, 1-based): chr5:139,325,651, A>G. VCF-style: chr5-139325651-A-G. GRCh37 (hg19) VCF-style: chr5-138661340-A-G.
Other names: c.2360A>G, p.Asn787Ser (NM_001194954.2, NM_001194955.2, NM_199189.3); c.1496A>G, p.Asn499Ser (NM_001194956.2); c.1346A>G, p.Asn449Ser (NM_001282278.2); short protein forms N787S, N449S, N499S.
Identifiers: ClinVar variation 351138 (VCV000351138.20), dbSNP rs148402819, ClinGen allele CA3433426.
Genomic context (GRCh38, chr5:139,325,651, plus strand): 5'-ATGAGAACAAGGACGACTATACAATCCCAGATGAGTATAGAATTGGACCATATCAGCCCA[A>G]TGTTCCTGTTGGTGAGATTTAAGTCTTTGTTCTTCACCTTCCTCACTCTCCTCAAAACAA-3'
Protein context (NP_061322.2, residues 777-797): DEYRIGPYQP[Asn787Ser]VPVGIDYVIP